The following is an entry in ClinVar:

ClinVar aggregate classification (germline): Pathogenic. Review status: reviewed by expert panel (3 of 4 stars). 4 submissions from 4 submitters: Pathogenic (1). 3 of the submissions do not count toward it. Last evaluated 2016-09-08.

Conditions:
Hereditary cancer-predisposing syndrome. Also called: Neoplastic Syndromes, Hereditary; Tumor predisposition; Hereditary neoplastic syndrome; Hereditary Cancer Syndrome. Identifiers: Orphanet 140162, MedGen C0027672, MeSH D009386, MONDO:0015356.
Hereditary breast ovarian cancer syndrome. Also called: Hereditary breast and ovarian cancer syndrome; Hereditary breast and ovarian cancer; Hereditary breast and ovarian cancer syndrome (HBOC); Breast and ovarian cancer; Hereditary breast and/or ovarian cancer syndrome; BRCA1- and BRCA2-Associated Hereditary Breast and Ovarian Cancer. Identifiers: Orphanet 145, MedGen C0677776, MeSH D061325, MONDO:0003582. Disease mechanism: loss of function.
Breast-ovarian cancer, familial, susceptibility to, 2 (BROVCA2). Also called: BRCA2 Hereditary Breast and Ovarian Cancer. Identifiers: Orphanet 145, MedGen C2675520, MONDO:0012933, OMIM 612555. Disease mechanism: loss of function.

Submissions (4):

Evidence-based Network for the Interpretation of Germline Mutant Alleles (ENIGMA)
Classification: Pathogenic for Breast-ovarian cancer, familial, susceptibility to, 2. Last evaluated: 2016-09-08. Review status: reviewed by expert panel. Criteria: ENIGMA BRCA1/2 Classification Criteria (2015). Collection method: curation. Allele origin: germline.
Comment: Variant allele predicted to encode a truncated non-functional protein.

Labcorp Genetics (formerly Invitae), Labcorp
Classification: Pathogenic for Hereditary breast ovarian cancer syndrome. Last evaluated: 2025-06-19. Review status: criteria provided, single submitter. Criteria: Invitae Variant Classification Sherloc (09022015). Collection method: clinical testing. Allele origin: germline. Not counted in ClinVar's aggregate classification.
Comment: This sequence change creates a premature translational stop signal (p.Leu2696*) in the BRCA2 gene. It is expected to result in an absent or disrupted protein product. Loss-of-function variants in BRCA2 are known to be pathogenic (PMID: 20104584). This variant is not present in population databases (gnomAD no frequency). This premature translational stop signal has been observed in individual(s) with cancer predisposition (PMID: 29446198, 31159747). ClinVar contains an entry for this variant (Variation ID: 52502). For these reasons, this variant has been classified as Pathogenic.

Ambry Genetics
Classification: Pathogenic for Hereditary cancer-predisposing syndrome. Last evaluated: 2024-04-03. Review status: criteria provided, single submitter. Criteria: Ambry Variant Classification Scheme 2023. Collection method: clinical testing. Allele origin: germline. Not counted in ClinVar's aggregate classification.
Comment: The c.8087delT pathogenic mutation, located in coding exon 17 of the BRCA2 gene, results from a deletion of one nucleotide at nucleotide position 8087, causing a translational frameshift with a predicted alternate stop codon (p.L2696*). This variant is considered to be rare based on population cohorts in the Genome Aggregation Database (gnomAD). This alteration is expected to result in loss of function by premature protein truncation or nonsense-mediated mRNA decay. As such, this alteration is interpreted as a disease-causing mutation.

Breast Cancer Information Core (BIC) (BRCA2)
Classification: Pathogenic for Breast-ovarian cancer, familial 2. Last evaluated: 2003-12-23. Review status: no assertion criteria provided. Collection method: clinical testing. Allele origin: germline. Affected: yes. Observed: 1 variant allele. Not counted in ClinVar's aggregate classification.

Literature cited by the submitters: PubMed 20104584 (cited by Labcorp Genetics (formerly Invitae), Labcorp); PubMed 29446198 (cited by Labcorp Genetics (formerly Invitae), Labcorp); PubMed 31159747 (cited by Labcorp Genetics (formerly Invitae), Labcorp).

NM_000059.4(BRCA2):c.8087del (p.Ser2695_Leu2696insTer)

Gene: BRCA2 (BRCA2 DNA repair associated; plus strand). Cytogenetic location: 13q13.1.
Variant type: Deletion.
Coding change: c.8087del on transcript NM_000059.4 (MANE Select); coding-DNA position 8087, one base deleted (T; older notation c.8087delT).
Protein change: p.Ser2695_Leu2696insTer.
Molecular consequence: nonsense.
Genome position (GRCh38, 1-based): chr13:32,363,289, T deleted; the last of 2 consecutive T bases (chr13:32,363,288-32,363,289); deleting either gives the same sequence. VCF-style (leftmost placement, unchanged base first): chr13-32363287-AT-A. GRCh37 (hg19) VCF-style: chr13-32937424-AT-A.
Other names: 8315delT; c.8087delT (NM_000059.3).
Identifiers: ClinVar variation 52502 (VCV000052502.4), dbSNP rs80359695, ClinGen allele CA025446.